The following is an entry in ClinVar:

ClinVar aggregate classification (germline): Uncertain significance. Review status: criteria provided, multiple submitters, no conflicts (2 of 4 stars). 2 submissions from 2 submitters: Uncertain significance (2). Last evaluated 2026-01-04.

Conditions:
Arrhythmogenic right ventricular dysplasia 9 (ARVD9). Also called: Arrhythmogenic Right Ventricular Dysplasia/Cardiomyopathy 9; ARRHYTHMOGENIC RIGHT VENTRICULAR DYSPLASIA, FAMILIAL, 9. Identifiers: MedGen C1836906, MONDO:0012180, OMIM 609040.
Arrhythmogenic right ventricular cardiomyopathy (ARVD). Also called: Arrhythmogenic right ventricular dysplasia; Cardiomyopathy, ARVC; Arrhythmogenic cardiomyopathy; Arrhythmogenic Right Ventricular Cardiomyopathy (ARVC). Identifiers: Orphanet 247, MedGen C0349788, MeSH D019571, MONDO:0016587. Disease mechanism: loss of function. Inheritance: Various modes of inheritance.

Allele frequency attached by ClinVar (database versions not stated): gnomAD exomes 0.00001.
gnomAD v4.1: 9 of 1,610,882 alleles (0.00056%); highest among the groups gnomAD compares: Non-Finnish European, 0.00076%; no homozygotes.

Submissions (2):

Labcorp Genetics (formerly Invitae), Labcorp
Classification: Uncertain significance for Arrhythmogenic right ventricular dysplasia 9. Last evaluated: 2026-01-04. Review status: criteria provided, single submitter. Criteria: Invitae Variant Classification Sherloc (09022015). Collection method: clinical testing. Allele origin: germline.
Comment: This sequence change replaces threonine, which is neutral and polar, with isoleucine, which is neutral and non-polar, at codon 459 of the PKP2 protein (p.Thr459Ile). This variant is present in population databases (rs752832849, gnomAD 0.0009%). This variant has not been reported in the literature in individuals affected with PKP2-related conditions. ClinVar contains an entry for this variant (Variation ID: 3075462). An algorithm developed to predict the effect of missense changes on protein structure and function (PolyPhen-2) suggests that this variant is likely to be disruptive. Algorithms developed to predict the effect of sequence changes on RNA splicing suggest that this variant may disrupt the consensus splice site. In summary, the available evidence is currently insufficient to determine the role of this variant in disease. Therefore, it has been classified as a Variant of Uncertain Significance.

All of Us Research Program, National Institutes of Health
Classification: Uncertain significance for Arrhythmogenic right ventricular cardiomyopathy. Last evaluated: 2024-02-05. Review status: criteria provided, single submitter. Criteria: ACMG Guidelines, 2015. Collection method: clinical testing. Allele origin: germline. Inheritance: Autosomal dominant inheritance. Observed: 1 variant allele, 1 heterozygote.
Comment: This missense variant replaces threonine with isoleucine at codon 459 of the PKP2 protein. Computational prediction is inconclusive regarding the impact of this variant on protein structure and function (internally defined REVEL score threshold 0.5 < inconclusive < 0.7, PMID: 27666373). To our knowledge, functional studies have not been reported for this variant. This variant has not been reported in individuals affected with PKP2-related disorders in the literature. This variant has been identified in 1/250822 chromosomes in the general population by the Genome Aggregation Database (gnomAD). The available evidence is insufficient to determine the role of this variant in disease conclusively. Therefore, this variant is classified as a Variant of Uncertain Significance.

This study involves interpretation of variants in research participants for the purpose of population health screening. Participant phenotype was not available at the time of variant classification. Additional details can be found in publication PMID: 35346344, PMCID: PMC8962531

NM_001005242.3(PKP2):c.1376C>T (p.Thr459Ile)

Gene: PKP2 (plakophilin 2; minus strand). Cytogenetic location: 12p11.21.
Variant type: single nucleotide variant.
Coding change: c.1376C>T on transcript NM_001005242.3 (MANE Select); coding-DNA position 1376, C replaced by T.
Protein change: p.Thr459Ile; replaces threonine 459 with isoleucine.
Molecular consequence: missense variant.
Genome position (GRCh38, 1-based): chr12:32,850,768, G>A on the plus strand (C>T on the coding strand, the complement: PKP2 is on the minus strand). VCF-style: chr12-32850768-G-A. GRCh37 (hg19) VCF-style: chr12-33003702-G-A.
Other names: c.1376C>T, p.Thr459Ile (NM_001407155.1, NM_001407156.1, NM_001407157.1 and 2 more transcripts); c.1049C>T, p.Thr350Ile (NM_001407158.1, NM_001407159.1, NM_001407160.1 and 1 more transcripts); short protein forms T350I, T459I.
Identifiers: ClinVar variation 3075462 (VCV003075462.2), dbSNP rs752832849, ClinGen allele CA235255200.